The following is an entry in ClinVar:

NC_000008.11:g.100213295G>A

Genes: SPAG1 (sperm associated antigen 1; plus strand), VPS13B (vacuolar protein sorting 13 homolog B; plus strand), LOC130000832 (ATAC-STARR-seq lymphoblastoid silent region 19412; plus strand). Cytogenetic location: 8q22.2.
Variant type: single nucleotide variant.
Molecular consequence: synonymous variant (on NM_003114.5).
Genome position: GRCh38 VCF-style: chr8-100213295-G-A. GRCh37 (hg19) VCF-style: chr8-101225523-G-A.
Other names: c.1302G>A, p.Gly434= (NM_001374321.1, NM_003114.5, NM_172218.3).
Identifiers: ClinVar variation 4901318 (VCV004901318.2).
Genomic context (GRCh38, chr8:100,213,295, plus strand): 5'-GGACAAGCGGAGCCCACGGCGGGCCTCTGCGGCGGCGGCGGCGGGCGGCGGCGCCACCGG[G>A]CATCCGGGCGGCGGGCAGGGCGCGGAGAACCCTGCCGGCCTGAAGAGCCAGGGCAACGAG-3'

ClinVar aggregate classification (germline): Likely benign. Review status: criteria provided, multiple submitters, no conflicts (2 of 4 stars). 2 submissions from 2 submitters: Likely benign (2). Last evaluated 2025-11-19.

Conditions:
VPS13B-related disorder. Also called: VPS13B-related condition.

gnomAD v4.1: 10 of 1,227,732 alleles (0.00081%); highest among the groups gnomAD compares: Non-Finnish European, 0.001%; no homozygotes.

Submissions (2):

PreventionGenetics, part of Exact Sciences
Classification: Likely benign for VPS13B-related condition. Last evaluated: 2025-11-19. Review status: criteria provided, single submitter. Criteria: ACMG Guidelines, 2015. Collection method: clinical testing. Allele origin: germline.
Comment: This variant is classified as likely benign based on ACMG/AMP sequence variant interpretation guidelines (Richards et al. 2015 PMID: 25741868, with internal and published modifications).

Blueprint Genetics
Classification: Likely benign. Last evaluated: 2021-03-01. Review status: criteria provided, single submitter. Criteria: ACMG Guidelines, 2015. Collection method: clinical testing. Allele origin: germline.